The following is an entry in ClinVar:

ClinVar aggregate classification (germline): Uncertain significance (1 of 4 stars; one submission).

Conditions:
Amyotrophic lateral sclerosis type 1 (ALS1). Also called: AMYOTROPHIC LATERAL SCLEROSIS 1, FAMILIAL. Identifiers: Orphanet 803, MedGen C1862939, MONDO:0007103, OMIM 105400.
Perry syndrome. Also called: PARKINSONISM WITH ALVEOLAR HYPOVENTILATION AND MENTAL DEPRESSION. Identifiers: Orphanet 178509, MedGen C1868594, MONDO:0008201, OMIM 168605.
Neuronopathy, distal hereditary motor, type 7B. Also called: HMN VIIB; Distal Hereditary Motor Neuronopathy Type 7B (dHMN7B); LOWER MOTOR NEURON DISEASE, DYNACTIN TYPE; NEURONOPATHY, DISTAL HEREDITARY MOTOR, AUTOSOMAL DOMINANT 14; NEURONOPATHY, DISTAL HEREDITARY MOTOR, HARDING TYPE VIIB; NEUROPATHY, DISTAL HEREDITARY MOTOR, HARDING TYPE VIIB. Identifiers: Orphanet 139589, MedGen C1843315, MONDO:0011879, OMIM 607641.

Submission:

Labcorp Genetics (formerly Invitae), Labcorp
Classification: Uncertain significance for Amyotrophic lateral sclerosis type 1; Neuronopathy, distal hereditary motor, type 7B; Perry syndrome. Last evaluated: 2021-05-04. Review status: criteria provided, single submitter. Criteria: Invitae Variant Classification Sherloc (09022015). Collection method: clinical testing. Allele origin: germline.
Comment: This variant has not been reported in the literature in individuals with DCTN1-related conditions. This sequence change replaces lysine with asparagine at codon 1247 of the DCTN1 protein (p.Lys1247Asn). The lysine residue is highly conserved and there is a moderate physicochemical difference between lysine and asparagine. This variant is not present in population databases (ExAC no frequency). Algorithms developed to predict the effect of missense changes on protein structure and function (SIFT, PolyPhen-2, Align-GVGD) all suggest that this variant is likely to be disruptive, but these predictions have not been confirmed by published functional studies and their clinical significance is uncertain. In summary, the available evidence is currently insufficient to determine the role of this variant in disease. Therefore, it has been classified as a Variant of Uncertain Significance.

NM_004082.5(DCTN1):c.3741A>C (p.Lys1247Asn)

Gene: DCTN1 (dynactin subunit 1; minus strand). Cytogenetic location: 2p13.1.
Variant type: single nucleotide variant.
Coding change: c.3741A>C on transcript NM_004082.5 (MANE Select); coding-DNA position 3741, A replaced by C.
Protein change: p.Lys1247Asn; replaces lysine 1247 with asparagine.
Molecular consequence: missense variant. On other transcripts: non-coding transcript variant (1).
Genome position (GRCh38, 1-based): chr2:74,361,595, T>G on the plus strand (A>C on the coding strand, the complement: DCTN1 is on the minus strand). VCF-style: chr2-74361595-T-G. GRCh37 (hg19) VCF-style: chr2-74588722-T-G.
Other names: c.3666A>C, p.Lys1222Asn (NM_001135040.3); c.3324A>C, p.Lys1108Asn (NM_001135041.3); c.3615A>C, p.Lys1205Asn (NM_001190836.2); c.3720A>C, p.Lys1240Asn (NM_001190837.2); c.3690A>C, p.Lys1230Asn (NM_001378991.1); c.3672A>C, p.Lys1224Asn (NM_001378992.1); c.3339A>C, p.Lys1113Asn (NM_023019.4); short protein forms K1222N, K1240N, K1113N, K1224N, K1247N, K1205N, K1108N, K1230N.
Identifiers: ClinVar variation 1474708 (VCV001474708.8), dbSNP rs2104386809, ClinGen allele CA347334595.